The following is an entry in ClinVar:

ClinVar aggregate classification (germline): Uncertain significance. Review status: criteria provided, multiple submitters, no conflicts (2 of 4 stars). 2 submissions from 2 submitters: Uncertain significance (2). Last evaluated 2026-01-19.

Conditions:
Inborn genetic diseases. Identifiers: MedGen C0950123, MeSH D030342.

Allele frequency attached by ClinVar (database versions not stated): ExAC 0.00001; gnomAD exomes 0.00001; gnomAD 0.00003; TOPMed 0.00003.
gnomAD v4.1: 20 of 1,612,194 alleles (0.0012%); highest among the groups gnomAD compares: East Asian, 0.0089%; no homozygotes.

Submissions (2):

Labcorp Genetics (formerly Invitae), Labcorp
Classification: Uncertain significance. Last evaluated: 2026-01-19. Review status: criteria provided, single submitter. Criteria: Invitae Variant Classification Sherloc (09022015). Collection method: clinical testing. Allele origin: germline.
Comment: This sequence change replaces arginine, which is basic and polar, with glutamine, which is neutral and polar, at codon 801 of the LPIN1 protein (p.Arg801Gln). This variant is present in population databases (rs751427775, gnomAD 0.008%). This variant has not been reported in the literature in individuals affected with LPIN1-related conditions. ClinVar contains an entry for this variant (Variation ID: 2074111). Invitae Evidence Modeling of protein sequence and biophysical properties (such as structural, functional, and spatial information, amino acid conservation, physicochemical variation, residue mobility, and thermodynamic stability) indicates that this missense variant is expected to disrupt LPIN1 protein function with a positive predictive value of 80%. In summary, the available evidence is currently insufficient to determine the role of this variant in disease. Therefore, it has been classified as a Variant of Uncertain Significance.

Ambry Genetics
Classification: Uncertain significance for Inborn genetic diseases. Last evaluated: 2023-12-27. Review status: criteria provided, single submitter. Criteria: Ambry Variant Classification Scheme 2023. Collection method: clinical testing. Allele origin: germline.

NM_001349206.2(LPIN1):c.2510G>A (p.Arg837Gln)

Gene: LPIN1 (lipin 1; plus strand). Cytogenetic location: 2p25.1.
Variant type: single nucleotide variant.
Coding change: c.2510G>A on transcript NM_001349206.2 (MANE Select); coding-DNA position 2510, G replaced by A.
Protein change: p.Arg837Gln; replaces arginine 837 with glutamine.
Molecular consequence: missense variant. On other transcripts: non-coding transcript variant (1).
Genome position (GRCh38, 1-based): chr2:11,819,591, G>A. VCF-style: chr2-11819591-G-A. GRCh37 (hg19) VCF-style: chr2-11959717-G-A.
Other names: c.2402G>A (NM_145693.1); c.2420G>A, p.Arg807Gln (NM_001261427.3); c.2657G>A, p.Arg886Gln (NM_001261428.3); c.2402G>A, p.Arg801Gln (NM_001349199.2, NM_145693.4); c.2480G>A, p.Arg827Gln (NM_001349200.2, NM_001349201.2); c.2507G>A, p.Arg836Gln (NM_001349202.2, NM_001349203.2); c.2510G>A, p.Arg837Gln (NM_001349204.2, NM_001349205.2); c.2600G>A, p.Arg867Gln (NM_001349207.2); and 1 more; short protein forms R801Q, R827Q, R886Q, R867Q, R807Q, R836Q, R850Q, R837Q.
Identifiers: ClinVar variation 2074111 (VCV002074111.3), dbSNP rs751427775, ClinGen allele CA1534115.